The following is an entry in ClinVar:

ClinVar aggregate classification (germline): Uncertain significance (1 of 4 stars; one submission).

Allele frequency attached by ClinVar (database versions not stated): TOPMed 0.00001.

Submission:

Labcorp Genetics (formerly Invitae), Labcorp
Classification: Uncertain significance. Last evaluated: 2024-10-22. Review status: criteria provided, single submitter. Criteria: Invitae Variant Classification Sherloc (09022015). Collection method: clinical testing. Allele origin: germline.
Comment: This sequence change replaces glycine, which is neutral and non-polar, with valine, which is neutral and non-polar, at codon 2928 of the USH2A protein (p.Gly2928Val). This variant is present in population databases (no rsID available, gnomAD 0.1%). This variant has not been reported in the literature in individuals affected with USH2A-related conditions. ClinVar contains an entry for this variant (Variation ID: 943136). Invitae Evidence Modeling of protein sequence and biophysical properties (such as structural, functional, and spatial information, amino acid conservation, physicochemical variation, residue mobility, and thermodynamic stability) indicates that this missense variant is not expected to disrupt USH2A protein function with a negative predictive value of 95%. In summary, the available evidence is currently insufficient to determine the role of this variant in disease. Therefore, it has been classified as a Variant of Uncertain Significance.

NM_206933.4(USH2A):c.8783G>T (p.Gly2928Val)

Gene: USH2A (usherin; minus strand). Cytogenetic location: 1q41.
Variant type: single nucleotide variant.
Coding change: c.8783G>T on transcript NM_206933.4 (MANE Select); coding-DNA position 8783, G replaced by T.
Protein change: p.Gly2928Val; replaces glycine 2928 with valine.
Molecular consequence: missense variant.
Genome position (GRCh38, 1-based): chr1:215,867,069, C>A on the plus strand (G>T on the coding strand, the complement: USH2A is on the minus strand). VCF-style: chr1-215867069-C-A. GRCh37 (hg19) VCF-style: chr1-216040411-C-A.
Other names: short protein forms G2928V.
Identifiers: ClinVar variation 943136 (VCV000943136.9), dbSNP rs746586128, ClinGen allele CA344851242.
Genomic context (GRCh38, chr1:215,867,069, plus strand): 5'-GGTTTAGCCCACCTCACGTCGATGGCTGTGTGGTTAAGGACACTCGCAGTGAGATTGGCT[C>A]CTCTCTCTGGAAGACCAGCTAACGTTGTCACAGTCACTTCTCGGCTCGGTGTAAAACCCA-3'
Protein context (NP_996816.3, residues 2918-2938): VTTLAGLPER[Gly2928Val]ANLTASVLNH